The following is an entry in ClinVar:

NM_001378778.1(MPDZ):c.3839A>G (p.Lys1280Arg)

Gene: MPDZ (multiple PDZ domain crumbs cell polarity complex component; minus strand). Cytogenetic location: 9p23.
Variant type: single nucleotide variant.
Coding change: c.3839A>G on transcript NM_001378778.1 (MANE Select); coding-DNA position 3839, A replaced by G.
Protein change: p.Lys1280Arg; replaces lysine 1280 with arginine.
Molecular consequence: missense variant. On other transcripts: intron variant (14).
Genome position (GRCh38, 1-based): chr9:13,143,467, T>C on the plus strand (A>G on the coding strand, the complement: MPDZ is on the minus strand). VCF-style: chr9-13143467-T-C. GRCh37 (hg19) VCF-style: chr9-13143466-T-C.
Other names: c.3839A>G, p.Lys1280Arg (NM_001330637.2, NM_001375413.1, NM_003829.5); c.3631-3318A>G (NM_001375425.1, NM_001375420.1, NM_001375423.1 and 4 more transcripts); c.3742-3318A>G (NM_001375419.1, NM_001375416.1, NM_001375418.1 and 3 more transcripts); c.3433-3318A>G (NM_001375427.1); short protein forms K1280R.
Identifiers: ClinVar variation 2119291 (VCV002119291.4), dbSNP rs1377847322, ClinGen allele CA372949815.

ClinVar aggregate classification (germline): Uncertain significance (1 of 4 stars; one submission).

Allele frequency attached by ClinVar (database versions not stated): gnomAD exomes below 0.00001.
gnomAD v4.1: 1 of 1,610,556 alleles (0.000062%); highest among the groups gnomAD compares: Non-Finnish European, 0.000085%; no homozygotes.

Submission:

Labcorp Genetics (formerly Invitae), Labcorp
Classification: Uncertain significance. Last evaluated: 2022-11-08. Review status: criteria provided, single submitter. Criteria: Invitae Variant Classification Sherloc (09022015). Collection method: clinical testing. Allele origin: germline.
Comment: Algorithms developed to predict the effect of sequence changes on RNA splicing suggest that this variant may disrupt the consensus splice site. In summary, the available evidence is currently insufficient to determine the role of this variant in disease. Therefore, it has been classified as a Variant of Uncertain Significance. Algorithms developed to predict the effect of missense changes on protein structure and function (SIFT, PolyPhen-2, Align-GVGD) all suggest that this variant is likely to be tolerated. This variant has not been reported in the literature in individuals affected with MPDZ-related conditions. This variant is not present in population databases (gnomAD no frequency). This sequence change replaces lysine, which is basic and polar, with arginine, which is basic and polar, at codon 1280 of the MPDZ protein (p.Lys1280Arg).